The following is an entry in ClinVar:

ClinVar aggregate classification (germline): Uncertain significance (1 of 4 stars; one submission).

Conditions:
Carnitine acylcarnitine translocase deficiency (CACTD). Identifiers: Orphanet 159, MedGen C0342791, MONDO:0008918, OMIM 212138.

Submission:

Labcorp Genetics (formerly Invitae), Labcorp
Classification: Uncertain significance for Carnitine acylcarnitine translocase deficiency. Last evaluated: 2022-02-04. Review status: criteria provided, single submitter. Criteria: Invitae Variant Classification Sherloc (09022015). Collection method: clinical testing. Allele origin: germline.
Comment: This sequence change replaces leucine, which is neutral and non-polar, with arginine, which is basic and polar, at codon 285 of the SLC25A20 protein (p.Leu285Arg). This variant is not present in population databases (gnomAD no frequency). This variant has not been reported in the literature in individuals affected with SLC25A20-related conditions. Algorithms developed to predict the effect of missense changes on protein structure and function are either unavailable or do not agree on the potential impact of this missense change (SIFT: "Deleterious"; PolyPhen-2: "Possibly Damaging"; Align-GVGD: "Class C0"). In summary, the available evidence is currently insufficient to determine the role of this variant in disease. Therefore, it has been classified as a Variant of Uncertain Significance.

NM_000387.6(SLC25A20):c.854T>G (p.Leu285Arg)

Gene: SLC25A20 (solute carrier family 25 member 20; minus strand). Cytogenetic location: 3p21.31.
Variant type: single nucleotide variant.
Coding change: c.854T>G on transcript NM_000387.6 (MANE Select); coding-DNA position 854, T replaced by G.
Protein change: p.Leu285Arg; replaces leucine 285 with arginine.
Molecular consequence: missense variant.
Genome position (GRCh38, 1-based): chr3:48,857,762, A>C on the plus strand (T>G on the coding strand, the complement: SLC25A20 is on the minus strand). VCF-style: chr3-48857762-A-C. GRCh37 (hg19) VCF-style: chr3-48895195-A-C.
Other names: short protein forms L285R.
Identifiers: ClinVar variation 2066617 (VCV002066617.4), dbSNP rs2471003201, ClinGen allele CA352625758.